The following is an entry in ClinVar:

ClinVar aggregate classification (germline): Conflicting classifications of pathogenicity. Review status: criteria provided, conflicting classifications (1 of 4 stars). 3 submissions from 3 submitters: Uncertain significance (2); Benign (1). Last evaluated 2026-01-17.

Conditions:
Cortical dysplasia-focal epilepsy syndrome (PTHSL1). Also called: Pitt-Hopkins-like syndrome 1. Identifiers: Orphanet 163681, Orphanet 221150, MedGen C2750246, MONDO:0012400, OMIM 610042.

Allele frequency attached by ClinVar (database versions not stated): TOPMed 0.00003; ESP Exome Variant Server 0.00008; gnomAD exomes 0.00032 and 0.00078; ExAC 0.00058; gnomAD 0.00068 and 0.00071.
gnomAD v4.1: 560 of 1,613,916 alleles (0.035%); highest among the groups gnomAD compares: Middle Eastern, 0.016%; 6 homozygotes.

Submissions (3):

Labcorp Genetics (formerly Invitae), Labcorp
Classification: Benign for Cortical dysplasia-focal epilepsy syndrome. Last evaluated: 2026-01-17. Review status: criteria provided, single submitter. Criteria: Invitae Variant Classification Sherloc (09022015). Collection method: clinical testing. Allele origin: germline.

Blueprint Genetics
Classification: Uncertain significance. Last evaluated: 2024-10-23. Review status: criteria provided, single submitter. Criteria: ACMG Guidelines, 2015. Collection method: clinical testing. Allele origin: germline.

GeneDx
Classification: Uncertain significance. Last evaluated: 2012-12-27. Review status: criteria provided, single submitter. Criteria: GeneDx Variant Classification (06012015). Collection method: clinical testing. Allele origin: germline. Affected: yes.
Comment: p.Asn735Lys (AAC>AAA): c.2205 C>A in exon 14 of the CNTNAP2 gene (NM_014141.4). The Asn735Lys missense change has not been published as a mutation, nor has it been reported as a benign polymorphism to our knowledge. The amino acid substitution is non-conservative, as an uncharged Asparagine residue is replaced by a positively charged Lysine residue. It alters a highly conserved position in the CNTNAP2 gene, although missense mutations have not been reported in this region of the protein in association with epilepsy. Several in silico algorithms predict Asn735Lys may be damaging to protein structure/function, although another model predicts it may be benign. Therefore, based on the currently available information, it is unclear whether Asn735Lys is a disease-causing mutation or a rare benign variant.The variant is found in EPILEPSY panel(s).

NM_014141.6(CNTNAP2):c.2205C>A (p.Asn735Lys)

Gene: CNTNAP2 (contactin associated protein 2; plus strand). Cytogenetic location: 7q35.
Variant type: single nucleotide variant.
Coding change: c.2205C>A on transcript NM_014141.6 (MANE Select); coding-DNA position 2205, C replaced by A.
Protein change: p.Asn735Lys; replaces asparagine 735 with lysine.
Molecular consequence: missense variant.
Genome position (GRCh38, 1-based): chr7:147,903,671, C>A. VCF-style: chr7-147903671-C-A. GRCh37 (hg19) VCF-style: chr7-147600763-C-A.
Other names: p.N735K:AAC>AAA; short protein forms N735K.
Identifiers: ClinVar variation 205260 (VCV000205260.12), dbSNP rs200610099, ClinGen allele CA314154.
Genomic context (GRCh38, chr7:147,903,671, plus strand): 5'-CTACTACTGGGGAGGCTCTGGGCCTGGAATCCAGAAATGTGCCTGCGGCATCGAACGCAA[C>A]TGCACAGATCCCAAGTACTACTGTAACTGCGACGCGGACTACAAGCAATGGTGAGTGCCT-3'
Protein context (NP_054860.1, residues 725-745): IQKCACGIER[Asn735Lys]CTDPKYYCNC